The following is an entry in ClinVar:

NM_030930.4(UNC93B1):c.1726G>A (p.Ala576Thr)

Gene: UNC93B1 (unc-93B1 regulator of TLR signaling; minus strand). Cytogenetic location: 11q13.2.
Variant type: single nucleotide variant.
Coding change: c.1726G>A on transcript NM_030930.4 (MANE Select); coding-DNA position 1726, G replaced by A.
Protein change: p.Ala576Thr; replaces alanine 576 with threonine.
Molecular consequence: missense variant.
Genome position (GRCh38, 1-based): chr11:67,991,614, C>T on the plus strand (G>A on the coding strand, the complement: UNC93B1 is on the minus strand). VCF-style: chr11-67991614-C-T. GRCh37 (hg19) VCF-style: chr11-67759085-C-T.
Other names: short protein forms A576T.
Identifiers: ClinVar variation 1469925 (VCV001469925.6), dbSNP rs1330076422, ClinGen allele CA381566885.

ClinVar aggregate classification (germline): Uncertain significance (1 of 4 stars; one submission).

Conditions:
Encephalopathy, acute, infection-induced (herpes-specific), susceptibility to, 1. Also called: Herpes simplex encephalitis, susceptibility to, 1. Identifiers: Orphanet 1930, MedGen C2750180, MONDO:0024563, OMIM 610551.

Submission:

Labcorp Genetics (formerly Invitae), Labcorp
Classification: Uncertain significance for Encephalopathy, acute, infection-induced (herpes-specific), susceptibility to, 1. Last evaluated: 2021-02-14. Review status: criteria provided, single submitter. Criteria: Invitae Variant Classification Sherloc (09022015). Collection method: clinical testing. Allele origin: germline.
Comment: Experimental studies and prediction algorithms are not available or were not evaluated, and the functional significance of this variant is currently unknown. This sequence change replaces alanine with threonine at codon 576 of the UNC93B1 protein (p.Ala576Thr). There is a small physicochemical difference between alanine and threonine. The frequency data for this variant in the population databases is considered unreliable, as metrics indicate insufficient coverage at this position in the ExAC database. This variant has not been reported in the literature in individuals with UNC93B1-related conditions. In summary, the available evidence is currently insufficient to determine the role of this variant in disease. Therefore, it has been classified as a Variant of Uncertain Significance.